The following is an entry in ClinVar:

NM_001243133.2(NLRP3):c.2358C>A (p.Phe786Leu)

Gene: NLRP3 (NLR family pyrin domain containing 3; plus strand). Cytogenetic location: 1q44.
Variant type: single nucleotide variant.
Coding change: c.2358C>A on transcript NM_001243133.2 (MANE Select); coding-DNA position 2358, C replaced by A.
Protein change: p.Phe786Leu; replaces phenylalanine 786 with leucine.
Molecular consequence: missense variant.
Genome position (GRCh38, 1-based): chr1:247,434,139, C>A. VCF-style: chr1-247434139-C-A. GRCh37 (hg19) VCF-style: chr1-247597441-C-A.
Other names: c.2358C>A, p.Phe786Leu (NM_001079821.3, NM_001127461.3); c.2187C>A, p.Phe729Leu (NM_001127462.3, NM_183395.3); c.2364C>A, p.Phe788Leu (NM_004895.5); short protein forms F788L, F729L, F786L.
Identifiers: ClinVar variation 2694894 (VCV002694894.3), dbSNP rs867062949, ClinGen allele CA345560952.

ClinVar aggregate classification (germline): Uncertain significance (1 of 4 stars; one submission).

Conditions:
Cryopyrin associated periodic syndrome (CAPS). Identifiers: Orphanet 208650, MedGen C2316212, MONDO:0016168.

Submission:

Labcorp Genetics (formerly Invitae), Labcorp
Classification: Uncertain significance for Cryopyrin associated periodic syndrome. Last evaluated: 2023-11-20. Review status: criteria provided, single submitter. Criteria: Invitae Variant Classification Sherloc (09022015). Collection method: clinical testing. Allele origin: germline.
Comment: This sequence change replaces phenylalanine, which is neutral and non-polar, with leucine, which is neutral and non-polar, at codon 788 of the NLRP3 protein (p.Phe788Leu). This variant is not present in population databases (gnomAD no frequency). This variant has not been reported in the literature in individuals affected with NLRP3-related conditions. Advanced modeling of protein sequence and biophysical properties (such as structural, functional, and spatial information, amino acid conservation, physicochemical variation, residue mobility, and thermodynamic stability) performed at Invitae indicates that this missense variant is not expected to disrupt NLRP3 protein function with a negative predictive value of 95%. Algorithms developed to predict the effect of sequence changes on RNA splicing suggest that this variant may disrupt the consensus splice site. In summary, the available evidence is currently insufficient to determine the role of this variant in disease. Therefore, it has been classified as a Variant of Uncertain Significance.